The following is an entry in ClinVar:

ClinVar aggregate classification (germline): Uncertain significance (1 of 4 stars; one submission).

Submission:

Labcorp Genetics (formerly Invitae), Labcorp
Classification: Uncertain significance. Last evaluated: 2025-05-22. Review status: criteria provided, single submitter. Criteria: Invitae Variant Classification Sherloc (09022015). Collection method: clinical testing. Allele origin: germline.
Comment: This sequence change replaces isoleucine, which is neutral and non-polar, with valine, which is neutral and non-polar, at codon 261 of the HUWE1 protein (p.Ile261Val). This variant is not present in population databases (gnomAD no frequency). This variant has not been reported in the literature in individuals affected with HUWE1-related conditions. Invitae Evidence Modeling of protein sequence and biophysical properties (such as structural, functional, and spatial information, amino acid conservation, physicochemical variation, residue mobility, and thermodynamic stability) indicates that this missense variant is not expected to disrupt HUWE1 protein function with a negative predictive value of 95%. In summary, the available evidence is currently insufficient to determine the role of this variant in disease. Therefore, it has been classified as a Variant of Uncertain Significance.

NM_031407.7(HUWE1):c.781A>G (p.Ile261Val)

Gene: HUWE1 (HECT, UBA and WWE domain containing E3 ubiquitin protein ligase 1; minus strand). Cytogenetic location: Xp11.22.
Variant type: single nucleotide variant.
Coding change: c.781A>G on transcript NM_031407.7 (MANE Select); coding-DNA position 781, A replaced by G.
Protein change: p.Ile261Val; replaces isoleucine 261 with valine.
Molecular consequence: missense variant.
Genome position (GRCh38, 1-based): chrX:53,631,016, T>C on the plus strand (A>G on the coding strand, the complement: HUWE1 is on the minus strand). VCF-style: chrX-53631016-T-C. GRCh37 (hg19) VCF-style: chrX-53657968-T-C.
Other names: c.781A>G, p.Ile261Val (NM_001441048.1, NM_001441049.1, NM_001441050.1 and 8 more transcripts); short protein forms I261V.
Identifiers: ClinVar variation 4771952 (VCV004771952.1).